The following is an entry in ClinVar:

NM_005477.3(HCN4):c.2963C>T (p.Thr988Ile)

Gene: HCN4 (hyperpolarization activated cyclic nucleotide gated potassium channel 4; minus strand). Cytogenetic location: 15q24.1.
Variant type: single nucleotide variant.
Coding change: c.2963C>T on transcript NM_005477.3 (MANE Select); coding-DNA position 2963, C replaced by T.
Protein change: p.Thr988Ile; replaces threonine 988 with isoleucine.
Molecular consequence: missense variant.
Genome position (GRCh38, 1-based): chr15:73,323,130, G>A on the plus strand (C>T on the coding strand, the complement: HCN4 is on the minus strand). VCF-style: chr15-73323130-G-A. GRCh37 (hg19) VCF-style: chr15-73615471-G-A.
Other names: short protein forms T988I.
Identifiers: ClinVar variation 3856994 (VCV003856994.2).

ClinVar aggregate classification (germline): Uncertain significance. Review status: criteria provided, multiple submitters, no conflicts (2 of 4 stars). 2 submissions from 2 submitters: Uncertain significance (2). Last evaluated 2025-06-02.

Conditions:
Cardiovascular phenotype. Identifiers: MedGen CN230736.
Brugada syndrome 8 (BRGDA8). Identifiers: Orphanet 130, MedGen C2751083, MONDO:0013148, OMIM 613123.

Submissions (2):

Labcorp Genetics (formerly Invitae), Labcorp
Classification: Uncertain significance for Brugada syndrome 8. Last evaluated: 2025-06-02. Review status: criteria provided, single submitter. Criteria: Invitae Variant Classification Sherloc (09022015). Collection method: clinical testing. Allele origin: germline.
Comment: This sequence change replaces threonine, which is neutral and polar, with isoleucine, which is neutral and non-polar, at codon 988 of the HCN4 protein (p.Thr988Ile). This variant is not present in population databases (gnomAD no frequency). This variant has not been reported in the literature in individuals affected with HCN4-related conditions. ClinVar contains an entry for this variant (Variation ID: 3856994). Invitae Evidence Modeling of protein sequence and biophysical properties (such as structural, functional, and spatial information, amino acid conservation, physicochemical variation, residue mobility, and thermodynamic stability) indicates that this missense variant is not expected to disrupt HCN4 protein function with a negative predictive value of 95%. In summary, the available evidence is currently insufficient to determine the role of this variant in disease. Therefore, it has been classified as a Variant of Uncertain Significance.

Ambry Genetics
Classification: Uncertain significance for Cardiovascular phenotype. Last evaluated: 2025-01-11. Review status: criteria provided, single submitter. Criteria: Ambry Variant Classification Scheme 2023. Collection method: clinical testing. Allele origin: germline.
Comment: The p.T988I variant (also known as c.2963C>T), located in coding exon 8 of the HCN4 gene, results from a C to T substitution at nucleotide position 2963. The threonine at codon 988 is replaced by isoleucine, an amino acid with similar properties. This amino acid position is conserved. In addition, this alteration is predicted to be tolerated by in silico analysis. Based on the available evidence, the clinical significance of this variant remains unclear.